The following is an entry in ClinVar:

ClinVar aggregate classification (germline): Uncertain significance. Review status: criteria provided, multiple submitters, no conflicts (2 of 4 stars). 8 submissions from 8 submitters: Uncertain significance (8). Last evaluated 2026-01-13.

Conditions:
Hereditary cancer-predisposing syndrome. Also called: Hereditary neoplastic syndrome; Tumor predisposition; Hereditary Cancer Syndrome; Neoplastic Syndromes, Hereditary. Identifiers: Orphanet 140162, MedGen C0027672, MeSH D009386, MONDO:0015356.
Oligodontia-cancer predisposition syndrome. Also called: TOOTH AGENESIS-COLORECTAL CANCER SYNDROME. Identifiers: Orphanet 300576, MedGen C1837750, MONDO:0012075, OMIM 608615. Disease mechanism: loss of function.
Colorectal cancer. Also called: Colorectal cancer, somatic; Malignant Colorectal Neoplasm. Identifiers: MedGen C0346629, MONDO:0005575, OMIM 114500.

Allele frequency attached by ClinVar (database versions not stated): gnomAD exomes 0.00001; TOPMed below 0.00001.
gnomAD v4.1: 16 of 1,612,906 alleles (0.00099%); highest among the groups gnomAD compares: Non-Finnish European, 0.0013%; no homozygotes.

Submissions (8):

Labcorp Genetics (formerly Invitae), Labcorp
Classification: Uncertain significance for Oligodontia-cancer predisposition syndrome. Last evaluated: 2026-01-13. Review status: criteria provided, single submitter. Criteria: Invitae Variant Classification Sherloc (09022015). Collection method: clinical testing. Allele origin: germline.
Comment: This sequence change replaces aspartic acid, which is acidic and polar, with histidine, which is basic and polar, at codon 320 of the AXIN2 protein (p.Asp320His). This variant is not present in population databases (gnomAD no frequency). This variant has not been reported in the literature in individuals affected with AXIN2-related conditions. ClinVar contains an entry for this variant (Variation ID: 408794). An algorithm developed to predict the effect of missense changes on protein structure and function (PolyPhen-2) suggests that this variant is likely to be disruptive. In summary, the available evidence is currently insufficient to determine the role of this variant in disease. Therefore, it has been classified as a Variant of Uncertain Significance.

Ambry Genetics
Classification: Uncertain significance for Hereditary cancer-predisposing syndrome. Last evaluated: 2025-09-05. Review status: criteria provided, single submitter. Criteria: Ambry Variant Classification Scheme 2023. Collection method: clinical testing. Allele origin: germline.

St. Jude Molecular Pathology, St. Jude Children's Research Hospital
Classification: Uncertain significance for Oligodontia-cancer predisposition syndrome. Last evaluated: 2024-03-08. Review status: criteria provided, single submitter. Criteria: St. Jude Assertion Criteria 2020. Collection method: clinical testing. Allele origin: germline.
Comment: The AXIN2 c.958G>C (p.Asp320His) missense change is absent in gnomAD v2.1.1. The in silico tool REVEL predicts a deleterious effect on protein function, but to our knowledge this prediction has not been confirmed by functional studies. To our knowledge, this variant has not been reported in the literature in individuals with oligodontia-cancer predisposition syndrome. In summary, the evidence currently available is insufficient to determine the clinical significance of this variant. It has therefore been classified as of uncertain significance.

Baylor Genetics
Classification: Uncertain significance for Colorectal cancer. Last evaluated: 2024-02-03. Review status: criteria provided, single submitter. Criteria: ACMG Guidelines, 2015. Collection method: clinical testing. Allele origin: unknown.

GeneDx
Classification: Uncertain significance. Last evaluated: 2023-12-15. Review status: criteria provided, single submitter. Criteria: GeneDx Variant Classification Process June 2021. Collection method: clinical testing. Allele origin: germline.
Comment: Not observed at significant frequency in large population cohorts (gnomAD); In silico analysis supports that this missense variant has a deleterious effect on protein structure/function; Has not been previously published as pathogenic or benign to our knowledge

Quest Diagnostics Nichols Institute San Juan Capistrano
Classification: Uncertain significance. Last evaluated: 2023-12-06. Review status: criteria provided, single submitter. Criteria: Quest Diagnostics criteria. Collection method: clinical testing. Allele origin: unknown.
Comment: The AXIN2 c.958G>C (p.Asp320His) variant has not been reported in individuals with AXIN2-related conditions in the published literature. It also has not been reported in large, multi-ethnic general populations (Genome Aggregation Database). Analysis of this variant using bioinformatics tools for the prediction of the effect of amino acid changes on protein structure and function yielded predictions that this variant is damaging. Based on the available information, we are unable to determine the clinical significance of this variant.

Sema4
Classification: Uncertain significance for Hereditary cancer-predisposing syndrome. Last evaluated: 2022-01-30. Review status: criteria provided, single submitter. Criteria: Sema4 Curation Guidelines. Collection method: curation. Allele origin: germline.
Comment: The AXIN2 c.958G>C (p.D320H) variant has not been reported in the literature to our knowledge. It was not observed in the large and broad cohorts of the Genome Aggregation Database (PMID: 32461654). This variant has been reported in ClinVar (Variation ID 408794). In silico tools suggest the impact of the variant on protein function is deleterious, though these predictions have not been confirmed by functional studies. The evidence is insufficient to meet ACMG/AMP criteria for classifying the variant as benign or pathogenic. Thus, the clinical significance of this variant is currently uncertain.

Women's Health and Genetics/Laboratory Corporation of America, LabCorp
Classification: Uncertain significance. Last evaluated: 2018-08-27. Review status: criteria provided, single submitter. Criteria: LabCorp Variant Classification Summary - May 2015. Collection method: clinical testing. Allele origin: germline.
Comment: Variant summary: AXIN2 c.958G>C (p.Asp320His) results in a non-conservative amino acid change in the encoded protein sequence. Five of five in-silico tools predict a damaging effect of the variant on protein function. The variant was absent in 246240 control chromosomes. The available data on variant occurrences in the general population are insufficient to allow any conclusion about variant significance. To our knowledge, no occurrence of c.958G>C in individuals affected with Colorectal Cancer and no experimental evidence demonstrating its impact on protein function have been reported. One clinical diagnostic laboratory has submitted clinical-significance assessments for this variant to ClinVar after 2014 without evidence for independent evaluation. One laboratory classified the variant as uncertain significance. Based on the evidence outlined above, the variant was classified as uncertain significance.

Literature cited by the submitters: PubMed 28112737 (cited by Quest Diagnostics Nichols Institute San Juan Capistrano).

NM_004655.4(AXIN2):c.958G>C (p.Asp320His)

Gene: AXIN2 (axin 2; minus strand). Cytogenetic location: 17q24.1.
Variant type: single nucleotide variant.
Coding change: c.958G>C on transcript NM_004655.4 (MANE Select); coding-DNA position 958, G replaced by C.
Protein change: p.Asp320His; replaces aspartic acid 320 with histidine.
Molecular consequence: missense variant.
Genome position (GRCh38, 1-based): chr17:65,541,556, C>G on the plus strand (G>C on the coding strand, the complement: AXIN2 is on the minus strand). VCF-style: chr17-65541556-C-G. GRCh37 (hg19) VCF-style: chr17-63537674-C-G.
Other names: c.958G>C (LRG_296t1); c.958G>C, p.Asp320His (NM_001363813.1); short protein forms D320H.
Identifiers: ClinVar variation 408794 (VCV000408794.26), dbSNP rs1060502136, ClinGen allele CA16615946.
Genomic context (GRCh38, chr17:65,541,556, plus strand): 5'-TGCGATGCATTTCTCTCTGGAGCTGTTTCTTACTGCCCACACGATAAGGAGGAATTCCAT[C>G]TCTAAGGGAAAGGAAAAGACAGAATCCACAGGCTTACGAGGATGTTTTCAGCACATCACA-3'
Protein context (NP_004646.3, residues 310-330): DSMSMTDSSV[Asp320His]GIPPYRVGSK